The following is an entry in ClinVar:

ClinVar aggregate classification (germline): Uncertain significance (1 of 4 stars; one submission).

Conditions:
Hereditary cancer-predisposing syndrome. Also called: Neoplastic Syndromes, Hereditary; Tumor predisposition; Hereditary Cancer Syndrome; Hereditary neoplastic syndrome. Identifiers: Orphanet 140162, MedGen C0027672, MeSH D009386, MONDO:0015356.

Submission:

Ambry Genetics
Classification: Uncertain significance for Hereditary cancer-predisposing syndrome. Last evaluated: 2022-03-15. Review status: criteria provided, single submitter. Criteria: Ambry Variant Classification Scheme 2023. Collection method: clinical testing. Allele origin: germline.
Comment: The p.F272L variant (also known as c.816C>A), located in coding exon 8 of the PMS2 gene, results from a C to A substitution at nucleotide position 816. The phenylalanine at codon 272 is replaced by leucine, an amino acid with highly similar properties. This amino acid position is highly conserved in available vertebrate species. In addition, this alteration is predicted to be deleterious by in silico analysis. Since supporting evidence is limited at this time, the clinical significance of this alteration remains unclear.

NM_000535.7(PMS2):c.816C>A (p.Phe272Leu)

Gene: PMS2 (PMS1 homolog 2, mismatch repair system component; minus strand). Cytogenetic location: 7p22.1.
Variant type: single nucleotide variant.
Coding change: c.816C>A on transcript NM_000535.7 (MANE Select); coding-DNA position 816, C replaced by A.
Protein change: p.Phe272Leu; replaces phenylalanine 272 with leucine.
Molecular consequence: missense variant. On other transcripts: non-coding transcript variant (1), 5 prime UTR variant (2).
Genome position (GRCh38, 1-based): chr7:5,995,621, G>T on the plus strand (C>A on the coding strand, the complement: PMS2 is on the minus strand). VCF-style: chr7-5995621-G-T. GRCh37 (hg19) VCF-style: chr7-6035252-G-T.
Other names: c.411C>A, p.Phe137Leu (NM_001406908.1, NM_001406910.1, NM_001018040.1 and 20 more transcripts); c.243C>A, p.Phe81Leu (NM_001406909.1, NM_001322013.2); c.816C>A, p.Phe272Leu (NM_001322006.2, NM_001322014.2, NM_001406870.1 and 2 more transcripts); c.498C>A, p.Phe166Leu (NM_001322007.2, NM_001322008.2, NM_001406876.1 and 4 more transcripts); c.-118C>A (NM_001322011.2, NM_001322012.2); c.507C>A, p.Phe169Leu (NM_001322015.2, NM_001406875.1, NM_001406877.1 and 6 more transcripts); c.1002C>A, p.Phe334Leu (NM_001406866.1); c.840C>A, p.Phe280Leu (NM_001406868.1); and 4 more; short protein forms F101L, F166L, F169L, F236L, F272L, F280L, F160L, F137L.
Identifiers: ClinVar variation 1762256 (VCV001762256.2), dbSNP rs2536155837, ClinGen allele CA366743560.